The following is an entry in ClinVar:

ClinVar aggregate classification (germline): Benign. Review status: reviewed by expert panel (3 of 4 stars). 6 submissions from 6 submitters: Benign (1). 5 of the submissions do not count toward it. Last evaluated 2015-01-12.

Conditions:
Hereditary breast ovarian cancer syndrome. Also called: Breast and ovarian cancer; Hereditary breast and ovarian cancer; Hereditary breast and ovarian cancer syndrome; Hereditary breast and/or ovarian cancer syndrome; BRCA1- and BRCA2-Associated Hereditary Breast and Ovarian Cancer; Hereditary breast and ovarian cancer syndrome (HBOC). Identifiers: Orphanet 145, MedGen C0677776, MeSH D061325, MONDO:0003582. Disease mechanism: loss of function.
Breast-ovarian cancer, familial, susceptibility to, 1 (BROVCA1). Also called: BRCA1 Hereditary Breast and Ovarian Cancer; OVARIAN CANCER, SUSCEPTIBILITY TO. Identifiers: Orphanet 145, MedGen C2676676, MONDO:0011450, OMIM 604370. Disease mechanism: loss of function.

Allele frequency attached by ClinVar (database versions not stated): TOPMed 0.27265; gnomAD 0.28553 and 0.29389; 1000 Genomes Project 30x 0.31683; 1000 Genomes Project 0.32448; gnomAD exomes 0.33826; ExAC 0.44647.

Submissions (6):

Evidence-based Network for the Interpretation of Germline Mutant Alleles (ENIGMA)
Classification: Benign for Breast-ovarian cancer, familial 1. Last evaluated: 2015-01-12. Review status: reviewed by expert panel. Criteria: ENIGMA BRCA1/2 Classification Criteria (2015). Collection method: curation. Allele origin: germline.
Comment: Class 1 not pathogenic based on frequency >1% in an outbred sampleset. Frequency 0.3322 (Asian), 0.126 (African), 0.3588 (European), derived from 1000 genomes (2012-04-30).

Labcorp Genetics (formerly Invitae), Labcorp
Classification: Benign for Hereditary breast ovarian cancer syndrome. Last evaluated: 2026-02-02. Review status: criteria provided, single submitter. Criteria: Invitae Variant Classification Sherloc (09022015). Collection method: clinical testing. Allele origin: germline. Not counted in ClinVar's aggregate classification.

GeneDx
Classification: Benign. Last evaluated: 2018-06-24. Review status: criteria provided, single submitter. Criteria: GeneDx Variant Classification Process June 2021. Collection method: clinical testing. Allele origin: germline. Affected: yes. Not counted in ClinVar's aggregate classification.
Comment: This variant is associated with the following publications: (PMID: 24915755, 21191178, 19405875, 29582646)

Illumina Laboratory Services, Illumina
Classification: Benign for Breast-ovarian cancer, familial, susceptibility to, 1. Last evaluated: 2018-03-06. Review status: criteria provided, single submitter. Criteria: ICSL Variant Classification Criteria 13 December 2019. Collection method: clinical testing. Allele origin: germline. Not counted in ClinVar's aggregate classification.
Comment: This variant was observed in the ICSL laboratory as part of a predisposition screen in an ostensibly healthy population. It had not been previously curated by ICSL or reported in the Human Gene Mutation Database (HGMD: prior to June 1st, 2018), and was therefore a candidate for classification through an automated scoring system. Utilizing variant allele frequency, disease prevalence and penetrance estimates, and inheritance mode, an automated score was calculated to assess if this variant is too frequent to cause the disease. Based on the score and internal cut-off values, a variant classified as benign is not then subjected to further curation. The score for this variant resulted in a classification of benign for this disease.

GeneKor MSA
Classification: Benign. Last evaluated: 2017-11-01. Review status: criteria provided, single submitter. Criteria: ACMG Guidelines, 2015. Collection method: clinical testing. Allele origin: germline. Affected: yes. Not counted in ClinVar's aggregate classification.

Breakthrough Genomics
Classification: Benign. Review status: criteria provided, single submitter. Criteria: ACMG Guidelines, 2015. Collection method: not provided. Allele origin: germline. Inheritance: Autosomal recessive inheritance. Affected: yes. Not counted in ClinVar's aggregate classification.

NM_007294.4(BRCA1):c.*421G>T

Gene: BRCA1 (BRCA1 DNA repair associated; minus strand). Cytogenetic location: 17q21.31.
Variant type: single nucleotide variant.
Coding change: c.*421G>T on transcript NM_007294.4 (MANE Select); 421 bases downstream of the stop codon, G replaced by T.
Molecular consequence: 3 prime UTR variant. On other transcripts: non-coding transcript variant (1).
Genome position (GRCh38, 1-based): chr17:43,045,257, C>A on the plus strand (G>T on the coding strand, the complement: BRCA1 is on the minus strand). VCF-style: chr17-43045257-C-A. GRCh37 (hg19) VCF-style: chr17-41197274-C-A.
Other names: 6132 G>T; c.*421G>T (NM_001407571.1, NM_001407581.1, NM_001407582.1 and 348 more transcripts); c.*527G>T (NM_001407854.1, NM_001407858.1, NM_001407859.1 and 14 more transcripts).
Identifiers: ClinVar variation 209234 (VCV000209234.16), dbSNP rs8176318, ClinGen allele CA055886.